The following is an entry in ClinVar:

ClinVar aggregate classification (germline): Pathogenic. Review status: criteria provided, multiple submitters, no conflicts (2 of 4 stars). 3 submissions from 3 submitters: Pathogenic (3). Last evaluated 2026-03-19.

Conditions:
Autosomal dominant polycystic kidney disease. Identifiers: Orphanet 730, MedGen C0085413, MONDO:0004691.
Polycystic kidney disease, adult type (PKD1). Also called: Polycystic Kidney Disease 1, Autosomal Dominant; Polycystic kidney disease 1; Polycystic kidney disease 1, severe; POLYCYSTIC KIDNEY DISEASE 1 WITH OR WITHOUT POLYCYSTIC LIVER DISEASE; Polycystic Kidney, Autosomal Dominant; POLYCYSTIC KIDNEY DISEASE, ADULT, TYPE I. Identifiers: MedGen C3149841, MONDO:0008263, OMIM 173900.
PKD1-related disorder. Also called: PKD1-related condition.

Submissions (3):

Clinical Genetics Laboratory, Region Ostergotland
Classification: Pathogenic for Polycystic kidney disease, adult type. Last evaluated: 2026-03-19. Review status: criteria provided, single submitter. Criteria: ACMG Guidelines, 2015. Collection method: clinical testing. Allele origin: germline. Affected: yes.
Comment: The variant is not found in population database (no frequency gnomAD v4.1.0 (non-UKB)). The variant is associated with the phenotype and previously described in PMID:22508176. The following ACMG/AMP criteria were applied in classifying this variant as Pathogenic: PM2, PVS1, PP4

PreventionGenetics, part of Exact Sciences
Classification: Pathogenic for PKD1-related condition. Last evaluated: 2024-11-22. Review status: criteria provided, single submitter. Criteria: ACMG Guidelines, 2015. Collection method: clinical testing. Allele origin: germline.
Comment: The PKD1 c.5861dupA variant is predicted to result in a frameshift and premature protein termination (p.Asn1954Lysfs*36). This variant has been reported to be causative for autosomal dominant polycystic kidney disease (ADPKD) (Supp. Table S4, Audrézet et al. 2012. PubMed ID: 22508176). This variant has not been reported in a large population database (gnomAD), indicating this variant is rare. Frameshift variants in PKD1 are expected to be pathogenic. This variant is interpreted as pathogenic.

Department of Pathology and Laboratory Medicine, Sinai Health System
Classification: Pathogenic for autosomal dominant polycystic kidney disease. Last evaluated: 2017-01-10. Review status: criteria provided, single submitter. Criteria: ACMG Guidelines, 2015. Collection method: clinical testing. Allele origin: germline. Affected: yes.

Literature cited by the submitters: PubMed 22508176 (cited by Clinical Genetics Laboratory, Region Ostergotland and Department of Pathology and Laboratory Medicine, Sinai Health System).

NM_001009944.3(PKD1):c.5861dup (p.Asn1954fs)

Gene: PKD1 (polycystin 1, transient receptor potential channel interacting; minus strand). Cytogenetic location: 16p13.3.
Variant type: Duplication.
Coding change: c.5861dup on transcript NM_001009944.3 (MANE Select); coding-DNA position 5861, one base duplicated (A; older notation c.5861dupA).
Protein change: p.Asn1954fs; shifts the reading frame from asparagine 1954.
Molecular consequence: frameshift variant.
Genome position (GRCh38, 1-based): chr16:2,109,306, T duplicated on the plus strand (A on the coding strand, the reverse complement: PKD1 is on the minus strand); the first of 5 consecutive T bases (chr16:2,109,306-2,109,310); duplicating any one gives the same sequence. VCF-style (leftmost placement, unchanged base first): chr16-2109305-G-GT. GRCh37 (hg19) VCF-style: chr16-2159306-G-GT.
Other names: c.5861dup, p.Asn1954fs (NM_000296.4); c.5861dupA (NM_001009944.2); short protein forms N1954fs.
Identifiers: ClinVar variation 3780268 (VCV003780268.4).